The following is an entry in ClinVar:

NM_001040458.3(ERAP1):c.1680-28T>G

Gene: ERAP1 (endoplasmic reticulum aminopeptidase 1; minus strand). Cytogenetic location: 5q15.
Variant type: single nucleotide variant.
Coding change: c.1680-28T>G on transcript NM_001040458.3 (MANE Select); 28 bases into the intron before coding-DNA position 1680, T replaced by G.
Molecular consequence: intron variant.
Genome position (GRCh38, 1-based): chr5:96,786,577, A>C on the plus strand (T>G on the coding strand, the complement: ERAP1 is on the minus strand). VCF-style: chr5-96786577-A-C. GRCh37 (hg19) VCF-style: chr5-96122281-A-C.
Other names: c.1680-28T>G (NM_001349244.2, NM_016442.5, NM_001198541.3).
Identifiers: ClinVar variation 2688358 (VCV002688358.2), dbSNP rs30380, ClinGen allele CA3352172.

ClinVar aggregate classification (germline): Benign (1 of 4 stars; one submission).

Allele frequency attached by ClinVar (database versions not stated): 1000 Genomes Project 30x 0.59463; 1000 Genomes Project 0.59585; TOPMed 0.61633; ExAC 0.62344; gnomAD 0.62566; ESP Exome Variant Server 0.62686.
gnomAD v4.1: 915,015 of 1,440,034 alleles (64%); highest among the groups gnomAD compares: Non-Finnish European, 65%; 291,838 homozygotes.

Submission:

Unidad de Genómica Garrahan, Hospital de Pediatría Garrahan
Classification: Benign. Last evaluated: 2024-01-24. Review status: criteria provided, single submitter. Criteria: ACMG Guidelines, 2015. Collection method: clinical testing. Allele origin: germline. Affected: no. Observed: 69 variant alleles.
Comment: This variant is classified as Benign based on local population frequency. This variant was detected in 78% of patients studied by a panel of primary immunodeficiencies. Number of patients: 69. Only high quality variants are reported.